The following is an entry in ClinVar:

ClinVar aggregate classification (germline): Benign. Review status: criteria provided, multiple submitters, no conflicts (2 of 4 stars). 4 submissions from 4 submitters: Benign (3). 1 of the submissions does not count toward it. Last evaluated 2026-02-03.

Conditions:
ACER3-related disorder. Also called: ACER3-related condition.

Allele frequency attached by ClinVar (database versions not stated): 1000 Genomes Project 30x 0.49313; 1000 Genomes Project 0.50379; TOPMed 0.54685; gnomAD 0.56556 and 0.57055; ESP Exome Variant Server 0.58272; gnomAD exomes 0.64082; ExAC 0.64251.
gnomAD v4.1: 1,101,626 of 1,590,284 alleles (69%); highest among the groups gnomAD compares: Non-Finnish European, 74%; 394,028 homozygotes.

Submissions (4):

Labcorp Genetics (formerly Invitae), Labcorp
Classification: Benign. Last evaluated: 2026-02-03. Review status: criteria provided, single submitter. Criteria: Invitae Variant Classification Sherloc (09022015). Collection method: clinical testing. Allele origin: germline.

Blueprint Genetics
Classification: Benign. Last evaluated: 2024-11-27. Review status: criteria provided, single submitter. Criteria: ACMG Guidelines, 2015. Collection method: clinical testing. Allele origin: germline.

Breakthrough Genomics
Classification: Benign. Review status: criteria provided, single submitter. Criteria: ACMG Guidelines, 2015. Collection method: not provided. Allele origin: germline. Inheritance: Autosomal recessive inheritance. Affected: yes.

PreventionGenetics, part of Exact Sciences
Classification: Benign for ACER3-related condition. Last evaluated: 2019-10-16. Review status: no assertion criteria provided. Collection method: clinical testing. Allele origin: germline. Not counted in ClinVar's aggregate classification.
Comment: This variant is classified as benign based on ACMG/AMP sequence variant interpretation guidelines (Richards et al. 2015 PMID: 25741868, with internal and published modifications).

NM_018367.7(ACER3):c.183G>A (p.Lys61=)

Gene: ACER3 (alkaline ceramidase 3; plus strand). Cytogenetic location: 11q13.5.
Variant type: single nucleotide variant.
Coding change: c.183G>A on transcript NM_018367.7 (MANE Select); coding-DNA position 183, G replaced by A.
Protein change: p.Lys61=; no amino-acid change (lysine 61 retained).
Molecular consequence: synonymous variant. On other transcripts: 5 prime UTR variant (2), intron variant (1).
Genome position (GRCh38, 1-based): chr11:76,926,636, G>A. VCF-style: chr11-76926636-G-A. GRCh37 (hg19) VCF-style: chr11-76637680-G-A.
Other names: c.183G>A (NM_018367.6); c.-174G>A (NM_001300954.2); c.-50G>A (NM_001300955.2); c.104-32343G>A (NM_001300953.2).
Identifiers: ClinVar variation 1164298 (VCV001164298.13), dbSNP rs4479014, ClinGen allele CA6195577.